The following is an entry in ClinVar:

ClinVar aggregate classification (germline): Uncertain significance. Review status: criteria provided, multiple submitters, no conflicts (2 of 4 stars). 2 submissions from 2 submitters: Uncertain significance (2). Last evaluated 2024-10-26.

Conditions:
Bardet-Biedl syndrome (BBS). Identifiers: Orphanet 110, MedGen C0752166, MONDO:0015229.
Bardet-Biedl syndrome 7 (BBS7). Identifiers: Orphanet 110, MedGen C1859565, MONDO:0014435, OMIM 615984.

Allele frequency attached by ClinVar (database versions not stated): gnomAD exomes below 0.00001; ExAC 0.00001.
gnomAD v4.1: 1 of 1,613,758 alleles (0.000062%); highest among the groups gnomAD compares: Admixed American, 0.0017%; no homozygotes.

Submissions (2):

Labcorp Genetics (formerly Invitae), Labcorp
Classification: Uncertain significance for Bardet-Biedl syndrome. Last evaluated: 2024-10-26. Review status: criteria provided, single submitter. Criteria: Invitae Variant Classification Sherloc (09022015). Collection method: clinical testing. Allele origin: germline.
Comment: This sequence change replaces proline, which is neutral and non-polar, with serine, which is neutral and polar, at codon 505 of the BBS7 protein (p.Pro505Ser). This variant is present in population databases (rs763160690, gnomAD 0.003%). This variant has not been reported in the literature in individuals affected with BBS7-related conditions. ClinVar contains an entry for this variant (Variation ID: 1436469). An algorithm developed to predict the effect of missense changes on protein structure and function (PolyPhen-2) suggests that this variant is likely to be disruptive. In summary, the available evidence is currently insufficient to determine the role of this variant in disease. Therefore, it has been classified as a Variant of Uncertain Significance.

Fulgent Genetics
Classification: Uncertain significance for Bardet-Biedl syndrome 7. Last evaluated: 2021-08-17. Review status: criteria provided, single submitter. Criteria: ACMG Guidelines, 2015. Collection method: clinical testing. Allele origin: unknown.

NM_176824.3(BBS7):c.1513C>T (p.Pro505Ser)

Gene: BBS7 (Bardet-Biedl syndrome 7; minus strand). Cytogenetic location: 4q27.
Variant type: single nucleotide variant.
Coding change: c.1513C>T on transcript NM_176824.3 (MANE Select); coding-DNA position 1513, C replaced by T.
Protein change: p.Pro505Ser; replaces proline 505 with serine.
Molecular consequence: missense variant.
Genome position (GRCh38, 1-based): chr4:121,833,394, G>A on the plus strand (C>T on the coding strand, the complement: BBS7 is on the minus strand). VCF-style: chr4-121833394-G-A. GRCh37 (hg19) VCF-style: chr4-122754549-G-A.
Other names: c.1513C>T, p.Pro505Ser (NM_018190.4); short protein forms P505S.
Identifiers: ClinVar variation 1436469 (VCV001436469.8), dbSNP rs763160690, ClinGen allele CA3064192.